The following is an entry in ClinVar:

NM_181688.3(KRTAP10-10):c.300T>C (p.Cys100=)

Genes: KRTAP10-10 (keratin associated protein 10-10; plus strand), TSPEAR (thrombospondin type laminin G domain and EAR repeats; minus strand). Cytogenetic location: 21q22.3.
Variant type: single nucleotide variant.
Coding change: c.300T>C on transcript NM_181688.3 (MANE Select); coding-DNA position 300, T replaced by C.
Protein change: p.Cys100=; no amino-acid change (cysteine 100 retained).
Molecular consequence: synonymous variant. On other transcripts: intron variant (2).
Genome position (GRCh38, 1-based): chr21:44,637,717, T>C. VCF-style: chr21-44637717-T-C. GRCh37 (hg19) VCF-style: chr21-46057634-T-C.
Other names: c.83-69712A>G (NM_144991.3); c.-123+52828A>G (NM_001272037.2).
Identifiers: ClinVar variation 403022 (VCV000403022.5), dbSNP rs61029972, ClinGen allele CA10060488.

ClinVar aggregate classification (germline): Benign. Review status: criteria provided, multiple submitters, no conflicts (2 of 4 stars). 2 submissions from 2 submitters: Benign (2). Last evaluated 2016-03-29.

Allele frequency attached by ClinVar (database versions not stated): gnomAD exomes 0.01113 and 0.01785; ExAC 0.02062; 1000 Genomes Project 0.10763; gnomAD 0.11326 and 0.12098.
gnomAD v4.1: 17,047 of 848,560 alleles (2%); highest among the groups gnomAD compares: African/African-American, 31%; 1,296 homozygotes.

Submissions (2):

Laboratory for Molecular Medicine, Mass General Brigham Personalized Medicine
Classification: Benign. Last evaluated: 2016-03-29. Review status: criteria provided, single submitter. Criteria: LMM Criteria. Collection method: clinical testing. Allele origin: germline.
Comment: Variant identified in a genome or exome case(s) and assessed due to predicted null impact of the variant or pathogenic assertions in the literature or databases. Disclaimer: This variant has not undergone full assessment. The following are preliminary notes: Frequency

Breakthrough Genomics
Classification: Benign. Review status: criteria provided, single submitter. Criteria: ACMG Guidelines, 2015. Collection method: not provided. Allele origin: germline. Inheritance: Unknown mechanism. Affected: yes.